The following is an entry in ClinVar:

ClinVar aggregate classification (germline): Uncertain significance (1 of 4 stars; one submission).

Submission:

Labcorp Genetics (formerly Invitae), Labcorp
Classification: Uncertain significance. Last evaluated: 2022-11-28. Review status: criteria provided, single submitter. Criteria: Invitae Variant Classification Sherloc (09022015). Collection method: clinical testing. Allele origin: germline.
Comment: This variant is not present in population databases (gnomAD no frequency). In summary, the available evidence is currently insufficient to determine the role of this variant in disease. Therefore, it has been classified as a Variant of Uncertain Significance. Algorithms developed to predict the effect of missense changes on protein structure and function are either unavailable or do not agree on the potential impact of this missense change (SIFT: "Tolerated"; PolyPhen-2: "Probably Damaging"; Align-GVGD: "Class C0"). This variant has not been reported in the literature in individuals affected with TUBGCP6-related conditions. This sequence change replaces proline, which is neutral and non-polar, with leucine, which is neutral and non-polar, at codon 304 of the TUBGCP6 protein (p.Pro304Leu).

NM_020461.4(TUBGCP6):c.911C>T (p.Pro304Leu)

Gene: TUBGCP6 (tubulin gamma complex component 6; minus strand). Cytogenetic location: 22q13.33.
Variant type: single nucleotide variant.
Coding change: c.911C>T on transcript NM_020461.4 (MANE Select); coding-DNA position 911, C replaced by T.
Protein change: p.Pro304Leu; replaces proline 304 with leucine.
Molecular consequence: missense variant.
Genome position (GRCh38, 1-based): chr22:50,233,521, G>A on the plus strand (C>T on the coding strand, the complement: TUBGCP6 is on the minus strand). VCF-style: chr22-50233521-G-A. GRCh37 (hg19) VCF-style: chr22-50671950-G-A.
Other names: short protein forms P304L.
Identifiers: ClinVar variation 1999682 (VCV001999682.4), dbSNP rs2519178295, ClinGen allele CA412110412.
Genomic context (GRCh38, chr22:50,233,521, plus strand): 5'-CAGAACTTGTCGAAAGCGTCCCTTCCCGCCTCCGTCAGGTAAGGCTCCTCTCTGTGGCCA[G>A]GGGGGCTGCGAGGGGTGCAGAAGAGAGGCCATGAGCAGACGTGGTGACCTGCACCTCAGC-3'
Protein context (NP_065194.3, residues 294-314): RRCWERVGCP[Pro304Leu]GHREEPYLTE